The following is an entry in ClinVar:

ClinVar aggregate classification (germline): Uncertain significance (1 of 4 stars; one submission).

Conditions:
Epidermolysis bullosa simplex with nail dystrophy (EBS5D). Identifiers: MedGen C4225309, MONDO:0014661, OMIM 616487.
Epidermolysis bullosa simplex, Ogna type (EBS5A). Also called: Pidermolysis bullosa simplex 5A, Ogna type; EPIDERMOLYSIS BULLOSA SIMPLEX 5A, OGNA TYPE. Identifiers: Orphanet 79401, MedGen C0432317, MONDO:0007555, OMIM 131950.
Autosomal recessive limb-girdle muscular dystrophy type 2Q (LGMDR17). Also called: MUSCULAR DYSTROPHY, LIMB-GIRDLE, AUTOSOMAL RECESSIVE 17. Identifiers: Orphanet 254361, MedGen C3150989, MONDO:0013390, OMIM 613723.
Epidermolysis bullosa simplex 5B, with muscular dystrophy (EBS5B). Also called: EPIDERMOLYSIS BULLOSA SIMPLEX AND LIMB-GIRDLE MUSCULAR DYSTROPHY; Epidermolysis bullosa simplex with muscular dystrophy. Identifiers: Orphanet 257, MedGen C2931072, MONDO:0009181, OMIM 226670.
Epidermolysis bullosa simplex 5C, with pyloric atresia (EBS5C). Also called: PLEC-Related Epidermolysis Bullosa with Pyloric Atresia; Epidermolysis bullosa simplex with pyloric atresia; PLEC1-Related Epidermolysis Bullosa with Pyloric Atresia. Identifiers: Orphanet 158684, MedGen C2677349, MONDO:0012807, OMIM 612138.

gnomAD v4.1: 11 of 1,594,452 alleles (0.00069%); highest among the groups gnomAD compares: Non-Finnish European, 0.00094%; no homozygotes.

Submission:

Labcorp Genetics (formerly Invitae), Labcorp
Classification: Uncertain significance for Autosomal recessive limb-girdle muscular dystrophy type 2Q; Epidermolysis bullosa simplex, Ogna type; Epidermolysis bullosa simplex with nail dystrophy; Epidermolysis bullosa simplex 5C, with pyloric atresia; Epidermolysis bullosa simplex 5B, with muscular dystrophy. Last evaluated: 2025-02-24. Review status: criteria provided, single submitter. Criteria: Invitae Variant Classification Sherloc (09022015). Collection method: clinical testing. Allele origin: germline.
Comment: This sequence change replaces valine, which is neutral and non-polar, with alanine, which is neutral and non-polar, at codon 2551 of the PLEC protein (p.Val2551Ala). This variant is not present in population databases (gnomAD no frequency). This variant has not been reported in the literature in individuals affected with PLEC-related conditions. Invitae Evidence Modeling of protein sequence and biophysical properties (such as structural, functional, and spatial information, amino acid conservation, physicochemical variation, residue mobility, and thermodynamic stability) has been performed for this missense variant. However, the output from this modeling did not meet the statistical confidence thresholds required to predict the impact of this variant on PLEC protein function. In summary, the available evidence is currently insufficient to determine the role of this variant in disease. Therefore, it has been classified as a Variant of Uncertain Significance.

NM_201384.3(PLEC):c.7571T>C (p.Val2524Ala)

Gene: PLEC (plectin; minus strand). Cytogenetic location: 8q24.3.
Variant type: single nucleotide variant.
Coding change: c.7571T>C on transcript NM_201384.3 (MANE Select); coding-DNA position 7571, T replaced by C.
Protein change: p.Val2524Ala; replaces valine 2524 with alanine.
Molecular consequence: missense variant.
Genome position (GRCh38, 1-based): chr8:143,922,250, A>G on the plus strand (T>C on the coding strand, the complement: PLEC is on the minus strand). VCF-style: chr8-143922250-A-G. GRCh37 (hg19) VCF-style: chr8-144996418-A-G.
Other names: c.7652T>C, p.Val2551Ala (NM_000445.5); c.4271T>C, p.Val1424Ala (NM_001410941.1); c.7529T>C, p.Val2510Ala (NM_201378.4); c.7505T>C, p.Val2502Ala (NM_201379.3); c.7982T>C, p.Val2661Ala (NM_201380.4); c.7475T>C, p.Val2492Ala (NM_201381.3); c.7571T>C, p.Val2524Ala (NM_201382.4); c.7583T>C, p.Val2528Ala (NM_201383.3); short protein forms V1424A, V2492A, V2502A, V2510A, V2524A, V2528A, V2551A, V2661A.
Identifiers: ClinVar variation 3758106 (VCV003758106.2).
Genomic context (GRCh38, chr8:143,922,250, plus strand): 5'-TCCTGCTCCATCTGCTGCTGCTGCCGCTGCTGCTCCTCACGCAGCTGCTGTGCCTTGGCC[A>G]CCTCGTCCTGGAAGAGCTGCTCCAGCTTGGCCTTCTCCTGCTCGATGAAGCGCTCCCGCT-3'
Protein context (NP_958786.1, residues 2514-2534): AKLEQLFQDE[Val2524Ala]AKAQQLREEQ